The following is an entry in ClinVar:

ClinVar aggregate classification (germline): Uncertain significance (1 of 4 stars; one submission).

Conditions:
Osteogenesis imperfecta type I (OI1). Also called: OI, TYPE I; OSTEOGENESIS IMPERFECTA TARDA; OSTEOGENESIS IMPERFECTA WITH BLUE SCLERAE; Osteogenesis imperfecta type 1; Lobstein's Disease; Lobstein disease. Identifiers: Orphanet 216796, Orphanet 666, MedGen C0023931, MONDO:0008146, OMIM 166200. Disease mechanism: loss of function.

Submission:

Labcorp Genetics (formerly Invitae), Labcorp
Classification: Uncertain significance for Osteogenesis imperfecta type I. Last evaluated: 2024-08-05. Review status: criteria provided, single submitter. Criteria: Invitae Variant Classification Sherloc (09022015). Collection method: clinical testing. Allele origin: germline.
Comment: This sequence change falls in intron 4 of the COL1A1 gene. It does not directly change the encoded amino acid sequence of the COL1A1 protein. It affects a nucleotide within the consensus splice site. This variant is not present in population databases (gnomAD no frequency). This variant has not been reported in the literature in individuals affected with COL1A1-related conditions. Variants that disrupt the consensus splice site are a relatively common cause of aberrant splicing (PMID: 17576681, 9536098). Algorithms developed to predict the effect of sequence changes on RNA splicing suggest that this variant may disrupt the consensus splice site. In summary, the available evidence is currently insufficient to determine the role of this variant in disease. Therefore, it has been classified as a Variant of Uncertain Significance.

Literature cited by the submitters: PubMed 17576681; PubMed 9536098.

NM_000088.4(COL1A1):c.369+4A>G

Gene: COL1A1 (collagen type I alpha 1 chain; minus strand). Cytogenetic location: 17q21.33.
Variant type: single nucleotide variant.
Coding change: c.369+4A>G on transcript NM_000088.4 (MANE Select); 4 bases into the intron after coding-DNA position 369, A replaced by G.
Molecular consequence: intron variant.
Genome position (GRCh38, 1-based): chr17:50,199,414, T>C on the plus strand (A>G on the coding strand, the complement: COL1A1 is on the minus strand). VCF-style: chr17-50199414-T-C. GRCh37 (hg19) VCF-style: chr17-48276775-T-C.
Identifiers: ClinVar variation 3673225 (VCV003673225.2).
Genomic context (GRCh38, chr17:50,199,414, plus strand): 5'-GTGAGCGTGGGGCCGAGAGCCATGCCCACCTGCAGCCCCCCACAGCCCAGAGTGCAACGC[T>C]TACCCTTGGGCCTCGGGGGCCAGTGTCTCCCTTGGGTCCCTGTGGGATTGGGGGAGAAGA-3'